The following is an entry in ClinVar:

ClinVar aggregate classification (germline): Uncertain significance. Review status: criteria provided, multiple submitters, no conflicts (2 of 4 stars). 4 submissions from 3 submitters: Uncertain significance (4). Last evaluated 2021-12-27.

Conditions:
Connective tissue disorder. Also called: Connective tissue disease. Identifiers: MedGen C0009782, MONDO:0003900.
Rhizomelic chondrodysplasia punctata type 1 (RCDP1). Also called: CHONDRODYSTROPHIA CALCIFICANS PUNCTATA; PEX7-Related Rhizomelic Chondrodysplasia Punctata; PEROXISOME BIOGENESIS DISORDER 9. Identifiers: Orphanet 177, Orphanet 309789, MedGen C1859133, MONDO:0008972, OMIM 215100. Disease mechanism: loss of function.
Peroxisome biogenesis disorder 9B. Also called: Refsum disease, adult, 2; PEX7-Related Refsum Disease; PEROXISOME BIOGENESIS DISORDER, PEX7-RELATED, ATYPICAL. Identifiers: Orphanet 773, MedGen C2749346, MONDO:0013945, OMIM 614879.

Allele frequency attached by ClinVar (database versions not stated): gnomAD 0.00001; TOPMed 0.00001; gnomAD exomes 0.00002.
gnomAD v4.1: 12 of 1,609,716 alleles (0.00075%); highest among the groups gnomAD compares: African/African-American, 0.0067%; no homozygotes.

Submissions (4):

Labcorp Genetics (formerly Invitae), Labcorp
Classification: Uncertain significance for Peroxisome biogenesis disorder 9B. Last evaluated: 2021-12-27. Review status: criteria provided, single submitter. Criteria: Invitae Variant Classification Sherloc (09022015). Collection method: clinical testing. Allele origin: germline.
Comment: This sequence change replaces isoleucine, which is neutral and non-polar, with valine, which is neutral and non-polar, at codon 321 of the PEX7 protein (p.Ile321Val). This variant is present in population databases (no rsID available, gnomAD 0.02%). This variant has not been reported in the literature in individuals affected with PEX7-related conditions. ClinVar contains an entry for this variant (Variation ID: 355537). Algorithms developed to predict the effect of missense changes on protein structure and function output the following: SIFT: "Tolerated"; PolyPhen-2: "Benign"; Align-GVGD: "Class C0". The valine amino acid residue is found in multiple mammalian species, which suggests that this missense change does not adversely affect protein function. In summary, the available evidence is currently insufficient to determine the role of this variant in disease. Therefore, it has been classified as a Variant of Uncertain Significance.

Genome Diagnostics Laboratory, The Hospital for Sick Children
Classification: Uncertain significance for Connective tissue disorder. Last evaluated: 2020-01-01. Review status: criteria provided, single submitter. Criteria: ACMG Guidelines, 2015. Collection method: clinical testing. Allele origin: germline.

Illumina Laboratory Services, Illumina
Classification: Uncertain significance for Rhizomelic chondrodysplasia punctata type 1. Last evaluated: 2018-01-12. Review status: criteria provided, single submitter. Criteria: ICSL Variant Classification Criteria 13 December 2019. Collection method: clinical testing. Allele origin: germline.

Illumina Laboratory Services, Illumina
Classification: Uncertain significance for Peroxisome biogenesis disorder 9B. Last evaluated: 2018-01-12. Review status: criteria provided, single submitter. Criteria: ICSL Variant Classification Criteria 13 December 2019. Collection method: clinical testing. Allele origin: germline.

NM_000288.4(PEX7):c.961A>G (p.Ile321Val)

Gene: PEX7 (peroxisomal biogenesis factor 7; plus strand). Cytogenetic location: 6q23.3.
Variant type: single nucleotide variant.
Coding change: c.961A>G on transcript NM_000288.4 (MANE Select); coding-DNA position 961, A replaced by G.
Protein change: p.Ile321Val; replaces isoleucine 321 with valine.
Molecular consequence: missense variant.
Genome position (GRCh38, 1-based): chr6:136,913,515, A>G. VCF-style: chr6-136913515-A-G. GRCh37 (hg19) VCF-style: chr6-137234653-A-G.
Other names: short protein forms I321V.
Identifiers: ClinVar variation 355537 (VCV000355537.9), dbSNP rs879706210, ClinGen allele CA10626111.